The following is an entry in ClinVar:

NM_053025.4(MYLK):c.4621G>A (p.Val1541Met)

Gene: MYLK (myosin light chain kinase; minus strand). Cytogenetic location: 3q21.1.
Variant type: single nucleotide variant.
Coding change: c.4621G>A on transcript NM_053025.4 (MANE Select); coding-DNA position 4621, G replaced by A.
Protein change: p.Val1541Met; replaces valine 1541 with methionine.
Molecular consequence: missense variant.
Genome position (GRCh38, 1-based): chr3:123,640,503, C>T on the plus strand (G>A on the coding strand, the complement: MYLK is on the minus strand). VCF-style: chr3-123640503-C-T. GRCh37 (hg19) VCF-style: chr3-123359350-C-T.
Other names: c.4093G>A, p.Val1365Met (NM_001321309.2); c.4414G>A, p.Val1472Met (NM_053026.4, NM_053028.4); c.4621G>A, p.Val1541Met (NM_053027.4); short protein forms V1365M, V1472M, V1541M.
Identifiers: ClinVar variation 2596111 (VCV002596111.6), dbSNP rs954388687, ClinGen allele CA82913991.

ClinVar aggregate classification (germline): Uncertain significance. Review status: criteria provided, multiple submitters, no conflicts (2 of 4 stars). 2 submissions from 2 submitters: Uncertain significance (2). Last evaluated 2026-05-20.

Conditions:
Aortic aneurysm, familial thoracic 7 (AAT7). Also called: AORTIC DISSECTION, FAMILIAL, WITH OR WITHOUT AORTIC ANEURYSM. Identifiers: MedGen C3151077, MONDO:0013418, OMIM 613780.
Familial thoracic aortic aneurysm and aortic dissection (TAAD). Also called: Thoracic aortic aneurysms and dissections. Identifiers: Orphanet 91387, MedGen C4707243, MONDO:0019625.

Allele frequency attached by ClinVar (database versions not stated): gnomAD 0.00001; TOPMed 0.00001.
gnomAD v4.1: 12 of 1,613,806 alleles (0.00074%); highest among the groups gnomAD compares: Admixed American, 0.0067%; no homozygotes.

Submissions (2):

Ambry Genetics
Classification: Uncertain significance for Familial thoracic aortic aneurysm and aortic dissection. Last evaluated: 2026-05-20. Review status: criteria provided, single submitter. Criteria: Ambry Variant Classification Scheme 2023. Collection method: clinical testing. Allele origin: germline.
Comment: The p.V1541M variant (also known as c.4621G>A), located in coding exon 25 of the MYLK gene, results from a G to A substitution at nucleotide position 4621. The valine at codon 1541 is replaced by methionine, an amino acid with highly similar properties. This amino acid position is conserved. In addition, this alteration is predicted to be tolerated by in silico analysis. Based on the available evidence, the clinical significance of this variant remains unclear.

Labcorp Genetics (formerly Invitae), Labcorp
Classification: Uncertain significance for Aortic aneurysm, familial thoracic 7. Last evaluated: 2025-02-06. Review status: criteria provided, single submitter. Criteria: Invitae Variant Classification Sherloc (09022015). Collection method: clinical testing. Allele origin: germline.
Comment: This sequence change replaces valine, which is neutral and non-polar, with methionine, which is neutral and non-polar, at codon 1541 of the MYLK protein (p.Val1541Met). This variant is present in population databases (no rsID available, gnomAD 0.003%). This missense change has been observed in individual(s) with aortic dissection (internal data). ClinVar contains an entry for this variant (Variation ID: 2596111). An algorithm developed to predict the effect of missense changes on protein structure and function (PolyPhen-2) suggests that this variant is likely to be disruptive. In summary, the available evidence is currently insufficient to determine the role of this variant in disease. Therefore, it has been classified as a Variant of Uncertain Significance.